The following continues an entry in ClinVar:

NM_000169.3(GLA):c.937G>T (p.Asp313Tyr)

ClinVar aggregate classification (germline): Benign/Likely benign; other. Benign (11); Likely benign (10).

Submissions 19 to 28 of 28:

Agnes Ginges Centre for Molecular Cardiology, Centenary Institute
Classification: Likely benign for Sudden unexplained death. Last evaluated: 2015-03-27. Review status: criteria provided, single submitter. Criteria: Agnes Ginges Centre for Molecular Cardiology criteria (2015). Collection method: research. Allele origin: germline. Inheritance: Autosomal dominant inheritance. Affected: yes.
Comment: The GLA Asp313Tyr variant has been previously reported to be associated with Fabry disease and observed in isolated HCM cases, however this variant is often identified in combination with another variant which is able to explain the disease phenotype (Eng et al., 1993; Sachdev B et al., 2002; Yasuda M et al., 2003; Monserrat L et al., 2007). The population frequency in the Exome Aggregation Consortium dataset is 0.003 alleles (275/87762); and the frequency in the European (non-Finnish) sub-population is 0.004 (211/48000). Based on the frequency of the GLA Asp313Tyr variant in 0.4% of the population, we do not expect this variant to cause disease in isolation. We therefore classify this variant as "likely benign".

CSER _CC_NCGL, University of Washington
Classification: Likely benign for Fabry disease. Last evaluated: 2015-03-11. Review status: criteria provided, single submitter. Criteria: Amendola et al. (Genome Res. 2015). Collection method: research. Allele origin: germline. Inheritance: X-linked inheritance. Study: CSER - NEXT Medicine variant annotation.

GeneDx
Classification: Benign. Last evaluated: 2015-03-03. Review status: criteria provided, single submitter. Criteria: GeneDx Variant Classification Process June 2021. Collection method: clinical testing. Allele origin: germline. Affected: yes.
Comment: The D313Y variant listed below is associated with pseudodeficiency for alpha-galactosidase A activity. D313Y reduces the in vitro activity of the alpha-galactosidase A enzyme to approximately 60-70% of normal. The presence of the D313Y variant does not cause Fabry disease [Froissart et al. (2003) Mol. Genet. Metab. 80 (3):307-14 (PMID: 14680977); Niemann et al. (2013) JIMD Rep 7 :99-102 (PMID: 23430502)].; This variant is associated with the following publications: (PMID: 32246457, 32109691, 32281532, 30477121, 31860127, 31291414, 30830284, 29227985, 28703315, 28988177, 29037082, 28299312, 28276057, 27600940, 29044343, 25382311, 27153395, 26993117, 7504405, 20110537, 23393592, 23935525, 18057066, 14680977, 23430502, 22773828, 18297328, 14635108, 24356988, 22537551, 23219219, 25078086, 21896204, 20122163, 16773563)

Laboratory for Molecular Medicine, Mass General Brigham Personalized Medicine
Classification: Likely benign. Last evaluated: 2012-08-02. Review status: criteria provided, single submitter. Criteria: LMM Criteria. Collection method: clinical testing. Allele origin: germline. Observed: 19 variant alleles.
Comment: p.Asp313Tyr in exon 6 of GLA: This variant is not expected to have clinical sign ificance for cardiomyopathy since it has been identified in 0.4% (29/6728) of Eu ropean American chromosomes from a broad population by the NHLBI Exome Sequencin g Project (dbSNP rs28935490). It has been rep orted in patients with clinical manifestations ranging from classic Fabry diseas e to isolated HCM (Eng 1993, Blaydon 2001, Sachdev 2002, Froissart 2003, Yasuda 2003, Morita 2006, Monserrat 2007) and while cell culture studies showed that th e mutant GLA protein retains ~60% of the normal activity, the p.Asp313Tyr varian t renders the protein unstable at neutral pH resulting in a pseudodeficiency in plasma (Yasuda 2003). In males with classic Fabry disease, it usually occurs wit h a second GLA variant (Eng 1993, Yasuda 2003), and is highly likely insufficien t to cause classic Fabry disease in isolation.

PreventionGenetics, part of Exact Sciences
Classification: Likely benign. Review status: criteria provided, single submitter. Criteria: ACMG Guidelines, 2015. Collection method: clinical testing. Allele origin: germline.

Revvity Omics, Revvity
Classification: Uncertain significance. Last evaluated: 2025-05-07. Review status: flagged submission. Criteria: ACMG Guidelines, 2015. Collection method: clinical testing. Allele origin: germline. Not counted in ClinVar's aggregate classification.
ClinVar note: Reason: Outlier claim with insufficient supporting evidence

Molecular Diagnostic Laboratory for Inherited Cardiovascular Disease, Montreal Heart Institute
Classification: Uncertain significance for Cardiovascular phenotype. Last evaluated: 2025-04-08. Review status: flagged submission. Criteria: ACMG Guidelines, 2015. Collection method: clinical testing. Allele origin: germline. Affected: yes. Not counted in ClinVar's aggregate classification.
Comment: PP2;PP3;BS1;BS3_supp
ClinVar note: Reason: Outlier claim with insufficient supporting evidence

Genome-Nilou Lab
Classification: Uncertain significance for Fabry disease. Last evaluated: 2021-05-18. Review status: flagged submission. Criteria: ACMG Guidelines, 2015. Collection method: clinical testing. Allele origin: germline. Affected: no. Not counted in ClinVar's aggregate classification.
ClinVar note: Reason: Outlier claim with insufficient supporting evidence

OMIM
Classification: Uncertain significance for RECLASSIFIED - VARIANT OF UNKNOWN SIGNIFICANCE. Last evaluated: 2013-01-01. Review status: flagged submission. Collection method: literature only. Allele origin: germline. Not counted in ClinVar's aggregate classification.
ClinVar note: Reason: Older and outlier claim with insufficient supporting evidence

CeMIA
Classification: Uncertain significance for Fabry disease. Review status: flagged submission. Criteria: ACMG Guidelines, 2015. Collection method: clinical testing. Allele origin: germline. Affected: yes. Observed: 17 variant alleles. Not counted in ClinVar's aggregate classification.
Comment: The c.937G>T (p.Asp313Tyr) variant, located in exon 6 of the GLA gene, has been previously reported to be associated with Fabry disease (PMID: 20122163, 23393592, 26993117, 7504405), however this variant does not lead to severe organ manifestations as seen in genotypes known to be causal for classical FD (PMID: 27059467). Functional studies support that the variant renders the protein unstable at neutral pH resulting in a pseudodeficiency in plasma, but the enzyme was stable at lysosomal pH, which prompts further investigation to detect a second, causative mutation (PMID: 14635108). The variant was identified in seventeen individuals (7 hemizygous males, 10 heterozygous females), in which only thirteen (6 hemizygous males, 7 heterozygous females) were affected with Fabry disease. The presentation of the disease in the patients indicates that the mutation results in a milder phenotype, with later onset of symptoms. Bioinformatic analysis by SIFT and PolyPhen2 algorithms predicted this mutation as deleterious and probably damaging, respectively. It has been detected in 0.304% alleles worldwide (gnomAD database) and its allele frequency is higher than that expected for Fabry disease. Taking all the above into account and according to ACMG Guidelines (Criteria: PM1, PP2, PP3, BS1, BP5) the variant has contradictory interpretation of pathogenicity, therefore is considered as variant of uncertain significance.
ClinVar note: Reason: Outlier claim with insufficient supporting evidence

Literature cited by the submitters: PubMed 11914245 (cited by 3 submitters); PubMed 14635108 (cited by 6 submitters); PubMed 18154965 (cited by 3 submitters); PubMed 23393592 (cited by 4 submitters); PubMed 7504405 (cited by 5 submitters); PubMed 9100224 (cited by Serv. Biochemistry and Molecular genetics, Hospital Clinic de Barcelona, Hospital Clínic de Barcelona); PubMed 20110537 (cited by Women's Health and Genetics/Laboratory Corporation of America, LabCorp and Laboratory for Molecular Medicine, Mass General Brigham Personalized Medicine); PubMed 20122163 (cited by Women's Health and Genetics/Laboratory Corporation of America, LabCorp and Laboratory for Molecular Medicine, Mass General Brigham Personalized Medicine); PubMed 23219219 (cited by Women's Health and Genetics/Laboratory Corporation of America, LabCorp); PubMed 11668641 (cited by Women's Health and Genetics/Laboratory Corporation of America, LabCorp and Laboratory for Molecular Medicine, Mass General Brigham Personalized Medicine); PubMed 9452111 (cited by Women's Health and Genetics/Laboratory Corporation of America, LabCorp); PubMed 24829596 (cited by Women's Health and Genetics/Laboratory Corporation of America, LabCorp); PubMed 23430502 (cited by Women's Health and Genetics/Laboratory Corporation of America, LabCorp and OMIM); PubMed 14680977 (cited by 3 submitters); PubMed 20360539 (cited by Women's Health and Genetics/Laboratory Corporation of America, LabCorp); PubMed 25078086 (cited by Women's Health and Genetics/Laboratory Corporation of America, LabCorp); PubMed 26415523 (cited by Women's Health and Genetics/Laboratory Corporation of America, LabCorp); PubMed 27832731 (cited by Women's Health and Genetics/Laboratory Corporation of America, LabCorp); PubMed 29044343 (cited by Women's Health and Genetics/Laboratory Corporation of America, LabCorp); PubMed 28276057 (cited by Women's Health and Genetics/Laboratory Corporation of America, LabCorp); PubMed 29037082 (cited by Women's Health and Genetics/Laboratory Corporation of America, LabCorp); PubMed 28988177 (cited by Women's Health and Genetics/Laboratory Corporation of America, LabCorp and CeMIA); PubMed 29530533 (cited by Women's Health and Genetics/Laboratory Corporation of America, LabCorp); PubMed 29631605 (cited by Women's Health and Genetics/Laboratory Corporation of America, LabCorp); PubMed 32246457 (cited by Women's Health and Genetics/Laboratory Corporation of America, LabCorp); PubMed 33543778 (cited by Women's Health and Genetics/Laboratory Corporation of America, LabCorp); PubMed 32109691 (cited by Women's Health and Genetics/Laboratory Corporation of America, LabCorp); PubMed 35971858 (cited by Women's Health and Genetics/Laboratory Corporation of America, LabCorp); PubMed 21229318 (cited by Illumina Laboratory Services, Illumina); PubMed 16754800 (cited by Laboratory for Molecular Medicine, Mass General Brigham Personalized Medicine); PubMed 19373884 (cited by Laboratory for Molecular Medicine, Mass General Brigham Personalized Medicine); PubMed 15806320 (cited by Laboratory for Molecular Medicine, Mass General Brigham Personalized Medicine); PubMed 20464614 (cited by Laboratory for Molecular Medicine, Mass General Brigham Personalized Medicine); PubMed 18297328 (cited by Laboratory for Molecular Medicine, Mass General Brigham Personalized Medicine); PubMed 16232095 (cited by Laboratory for Molecular Medicine, Mass General Brigham Personalized Medicine); PubMed 18057066 (cited by Laboratory for Molecular Medicine, Mass General Brigham Personalized Medicine); PubMed 21517827 (cited by Laboratory for Molecular Medicine, Mass General Brigham Personalized Medicine); PubMed 22226368 (cited by Laboratory for Molecular Medicine, Mass General Brigham Personalized Medicine).